The following is an entry in ClinVar:

ClinVar aggregate classification (germline): Pathogenic. Review status: criteria provided, single submitter (1 of 4 stars). 2 submissions from 2 submitters: Pathogenic (1). 1 of the submissions does not count toward it. Last evaluated 2022-06-19.

Conditions:
Myopathy, centronuclear, 6, with fiber-type disproportion. Identifiers: MedGen C4540345, MONDO:0054695, OMIM 617760.

Allele frequency attached by ClinVar (database versions not stated): gnomAD exomes below 0.00001.
gnomAD v4.1: 2 of 1,613,988 alleles (0.00012%); highest among the groups gnomAD compares: Non-Finnish European, 0.00017%; no homozygotes.

Submissions (2):

Labcorp Genetics (formerly Invitae), Labcorp
Classification: Pathogenic. Last evaluated: 2022-06-19. Review status: criteria provided, single submitter. Criteria: Invitae Variant Classification Sherloc (09022015). Collection method: clinical testing. Allele origin: germline.
Comment: This premature translational stop signal has been observed in individual(s) with congenital myopathy (PMID: 27816943). ClinVar contains an entry for this variant (Variation ID: 446159). For these reasons, this variant has been classified as Pathogenic. This sequence change creates a premature translational stop signal (p.Trp172*) in the MAP3K20 gene. It is expected to result in an absent or disrupted protein product. Loss-of-function variants in MAP3K20 are known to be pathogenic (PMID: 27816943). This variant is not present in population databases (gnomAD no frequency).

OMIM
Classification: Pathogenic for MYOPATHY, CENTRONUCLEAR, 6, WITH FIBER-TYPE DISPROPORTION. Last evaluated: 2022-07-28. Review status: no assertion criteria provided. Collection method: literature only. Allele origin: germline. Not counted in ClinVar's aggregate classification.

Literature cited by the submitters: PubMed 27816943 (cited by Labcorp Genetics (formerly Invitae), Labcorp and OMIM); PubMed 16760198 (cited by OMIM).

NM_016653.3(MAP3K20):c.515G>A (p.Trp172Ter)

Gene: MAP3K20 (mitogen-activated protein kinase kinase kinase 20; plus strand). Cytogenetic location: 2q31.1.
Variant type: single nucleotide variant.
Coding change: c.515G>A on transcript NM_016653.3 (MANE Select); coding-DNA position 515, G replaced by A.
Protein change: p.Trp172Ter; replaces tryptophan 172 with a stop codon.
Molecular consequence: nonsense.
Genome position (GRCh38, 1-based): chr2:173,191,110, G>A. VCF-style: chr2-173191110-G-A. GRCh37 (hg19) VCF-style: chr2-174055838-G-A.
Other names: c.515G>A, p.Trp172Ter (NM_133646.3); short protein forms W172*.
Identifiers: ClinVar variation 446159 (VCV000446159.6), dbSNP rs1553578407, ClinGen allele CA349313237.